The following is an entry in ClinVar:

NM_000136.3(FANCC):c.739C>T (p.Leu247Phe)

Genes: AOPEP (aminopeptidase O (putative); plus strand), FANCC (FA complementation group C; minus strand). Cytogenetic location: 9q22.32.
Variant type: single nucleotide variant.
Coding change: c.739C>T on transcript NM_000136.3 (MANE Select); coding-DNA position 739, C replaced by T.
Protein change: p.Leu247Phe; replaces leucine 247 with phenylalanine.
Molecular consequence: missense variant.
Genome position (GRCh38, 1-based): chr9:95,135,450, G>A on the plus strand (C>T on the coding strand, the complement: FANCC is on the minus strand). VCF-style: chr9-95135450-G-A. GRCh37 (hg19) VCF-style: chr9-97897732-G-A.
Other names: c.739C>T, p.Leu247Phe (NM_001243744.2, NM_001243743.2); short protein forms L247F.
Identifiers: ClinVar variation 449020 (VCV000449020.22), dbSNP rs1554835099, ClinGen allele CA374109391.
Genomic context (GRCh38, chr9:95,135,450, plus strand): 5'-TTCTCTCACTGGAGATTAGCTTTTCAAAAAGATGCAGCATTGCTTTTTCAAGGCTGGGAA[G>A]GTGCCGAAGCCAGAGGCAGACTACAGCTGACATGGGGAGAGAAATCTTCTTCCTTTCAGA-3'
Protein context (NP_000127.2, residues 237-257): SAVVCLWLRH[Leu247Phe]PSLEKAMLHL

ClinVar aggregate classification (germline): Uncertain significance. Review status: criteria provided, multiple submitters, no conflicts (2 of 4 stars). 6 submissions from 6 submitters: Uncertain significance (5). 1 of the submissions does not count toward it. Last evaluated 2025-08-14.

Conditions:
Fanconi anemia (FA). Also called: Fanconi's anemia. Identifiers: Orphanet 84, MedGen C0015625, MeSH D005199, MONDO:0019391.
Hereditary cancer-predisposing syndrome. Also called: Neoplastic Syndromes, Hereditary; Hereditary neoplastic syndrome; Hereditary Cancer Syndrome; Tumor predisposition. Identifiers: Orphanet 140162, MedGen C0027672, MeSH D009386, MONDO:0015356.
Fanconi anemia complementation group C (FANCC). Also called: FANCONI PANCYTOPENIA, TYPE 3; FACC; FANCC-Related Fanconi Anemia; Fanconi anemia, group C. Identifiers: Orphanet 84, MedGen C3468041, MONDO:0009213, OMIM 227645.

Allele frequency attached by ClinVar (database versions not stated): TOPMed below 0.00001; gnomAD 0.00001; gnomAD exomes 0.00001.
gnomAD v4.1: 15 of 1,613,964 alleles (0.00093%); highest among the groups gnomAD compares: Non-Finnish European, 0.0012%; no homozygotes.

Submissions (6):

Ambry Genetics
Classification: Uncertain significance for Hereditary cancer-predisposing syndrome. Last evaluated: 2025-08-14. Review status: criteria provided, single submitter. Criteria: Ambry Variant Classification Scheme 2023. Collection method: clinical testing. Allele origin: germline.
Comment: The p.L247F variant (also known as c.739C>T), located in coding exon 7 of the FANCC gene, results from a C to T substitution at nucleotide position 739. The leucine at codon 247 is replaced by phenylalanine, an amino acid with highly similar properties. This alteration was identified in an individual diagnosed with ovarian cancer (Song H et al. J Med Genet, 2021 05;58:305-313). This amino acid position is highly conserved in available vertebrate species. In addition, the in silico prediction for this alteration is inconclusive. Since supporting evidence is limited at this time, the clinical significance of this alteration remains unclear.

Labcorp Genetics (formerly Invitae), Labcorp
Classification: Uncertain significance for Fanconi anemia. Last evaluated: 2024-09-28. Review status: criteria provided, single submitter. Criteria: Invitae Variant Classification Sherloc (09022015). Collection method: clinical testing. Allele origin: germline.
Comment: This sequence change replaces leucine, which is neutral and non-polar, with phenylalanine, which is neutral and non-polar, at codon 247 of the FANCC protein (p.Leu247Phe). This variant is not present in population databases (gnomAD no frequency). This variant has not been reported in the literature in individuals affected with FANCC-related conditions. ClinVar contains an entry for this variant (Variation ID: 449020). Invitae Evidence Modeling of protein sequence and biophysical properties (such as structural, functional, and spatial information, amino acid conservation, physicochemical variation, residue mobility, and thermodynamic stability) has been performed for this missense variant. However, the output from this modeling did not meet the statistical confidence thresholds required to predict the impact of this variant on FANCC protein function. In summary, the available evidence is currently insufficient to determine the role of this variant in disease. Therefore, it has been classified as a Variant of Uncertain Significance.

GeneDx
Classification: Uncertain significance. Last evaluated: 2022-12-28. Review status: criteria provided, single submitter. Criteria: GeneDx Variant Classification Process June 2021. Collection method: clinical testing. Allele origin: germline. Affected: yes.
Comment: Not observed at significant frequency in large population cohorts (gnomAD); In silico analysis supports that this missense variant has a deleterious effect on protein structure/function; Has not been previously published as pathogenic or benign to our knowledge; This variant is associated with the following publications: (PMID: Gordon2000[Book])

Institute for Clinical Genetics, University Hospital TU Dresden, University Hospital TU Dresden
Classification: Uncertain significance. Last evaluated: 2021-11-03. Review status: criteria provided, single submitter. Criteria: ACMG Guidelines, 2015. Collection method: clinical testing. Allele origin: germline.

Centre for Mendelian Genomics, University Medical Centre Ljubljana
Classification: Uncertain significance for Fanconi anemia complementation group C. Last evaluated: 2019-10-30. Review status: criteria provided, single submitter. Criteria: ACMG Guidelines, 2015. Collection method: clinical testing. Allele origin: unknown. Affected: yes.
Comment: This variant was classified as: Uncertain significance. The available evidence on this variant's pathogenicity is insufficient or conflicting. The following ACMG criteria were applied in classifying this variant: PM2,PP3.

Natera, Inc.
Classification: Uncertain significance for Fanconi anemia, group C. Last evaluated: 2020-09-16. Review status: no assertion criteria provided. Collection method: clinical testing. Allele origin: germline. Not counted in ClinVar's aggregate classification.

Literature cited by the submitters: PubMed 32546565 (cited by Ambry Genetics).